The following is an entry in ClinVar:

ClinVar aggregate classification (germline): Uncertain significance. Review status: criteria provided, multiple submitters, no conflicts (2 of 4 stars). 6 submissions from 6 submitters: Uncertain significance (6). Last evaluated 2023-06-03.

Conditions:
Cardiovascular phenotype. Identifiers: MedGen CN230736.
Long QT syndrome 8. Identifiers: MedGen CN260585, MONDO:0032756, OMIM 618447.
Brugada syndrome 3 (BRGDA3). Identifiers: Orphanet 130, MedGen C2678478, MONDO:0012742, OMIM 611875.
Timothy syndrome (TS). Also called: LONG QT SYNDROME WITH SYNDACTYLY. Identifiers: Orphanet 65283, MedGen C1832916, MeSH C536962, MONDO:0010979, OMIM 601005.
Long QT syndrome (LQTS). Identifiers: MedGen C0023976, MeSH D008133, MONDO:0002442. Disease mechanism: loss of function. Inheritance: Various modes of inheritance.

Allele frequency attached by ClinVar (database versions not stated): TOPMed below 0.00001; gnomAD exomes below 0.00001.
gnomAD v4.1: 6 of 1,614,044 alleles (0.00037%); highest among the groups gnomAD compares: African/African-American, 0.0027%; no homozygotes.

Submissions (6):

Labcorp Genetics (formerly Invitae), Labcorp
Classification: Uncertain significance for Long QT syndrome. Last evaluated: 2023-06-03. Review status: criteria provided, single submitter. Criteria: Invitae Variant Classification Sherloc (09022015). Collection method: clinical testing. Allele origin: germline.
Comment: In summary, the available evidence is currently insufficient to determine the role of this variant in disease. Therefore, it has been classified as a Variant of Uncertain Significance. Advanced modeling of protein sequence and biophysical properties (such as structural, functional, and spatial information, amino acid conservation, physicochemical variation, residue mobility, and thermodynamic stability) performed at Invitae indicates that this missense variant is not expected to disrupt CACNA1C protein function. ClinVar contains an entry for this variant (Variation ID: 190632). This variant has not been reported in the literature in individuals affected with CACNA1C-related conditions. This variant is present in population databases (rs786205744, gnomAD 0.007%). This sequence change replaces glycine, which is neutral and non-polar, with serine, which is neutral and polar, at codon 329 of the CACNA1C protein (p.Gly329Ser).

Revvity Omics, Revvity
Classification: Uncertain significance. Last evaluated: 2022-03-23. Review status: criteria provided, single submitter. Criteria: ACMG Guidelines, 2015. Collection method: clinical testing. Allele origin: germline.

Ambry Genetics
Classification: Uncertain significance for Cardiovascular phenotype. Last evaluated: 2022-02-15. Review status: criteria provided, single submitter. Criteria: Ambry Variant Classification Scheme 2023. Collection method: clinical testing. Allele origin: germline.
Comment: The p.G329S variant (also known as c.985G>A), located in coding exon 7 of the CACNA1C gene, results from a G to A substitution at nucleotide position 985. The glycine at codon 329 is replaced by serine, an amino acid with similar properties. This amino acid position is highly conserved in available vertebrate species. In addition, this alteration is predicted to be deleterious by in silico analysis. Since supporting evidence is limited at this time, the clinical significance of this alteration remains unclear.

Fulgent Genetics
Classification: Uncertain significance for Timothy syndrome; Brugada syndrome 3; Long QT syndrome 8. Last evaluated: 2021-09-10. Review status: criteria provided, single submitter. Criteria: ACMG Guidelines, 2015. Collection method: clinical testing. Allele origin: unknown.

Blueprint Genetics
Classification: Uncertain significance. Last evaluated: 2019-03-28. Review status: criteria provided, single submitter. Criteria: ACMG Guidelines, 2015. Collection method: clinical testing. Allele origin: germline.

GeneDx
Classification: Uncertain significance. Last evaluated: 2018-06-01. Review status: criteria provided, single submitter. Criteria: GeneDx Variant Classification (06012015). Collection method: clinical testing. Allele origin: germline. Affected: yes.
Comment: p.Gly329Ser (GGC>AGC): c.985 G>A in exon 7 of the CACNA1C gene (NM_000719.6). The G329S variant in the CACNA1C gene has not been reported as a disease-causing mutation or as a benign polymorphism to our knowledge. The G329S variant was not observed in approximately 6,500 individuals of European and African American ancestry in the NHLBI Exome Sequencing Project, indicating it is not a common benign variant in these populations. The G329S variant is a non-conservative amino acid substitution as these residues differ in polarity, charge, size and/or other properties and is more likely to impact secondary structure. The G329 residue is conserved in mammals. In silico analysis predicts G329S is possibly damaging to the protein structure/function. However, no mutations in nearby residues have been reported in association with LQTS, indicating region of the protein may be tolerant of change. With the clinical and molecular information available at this time, we cannot definitively determine if G329S is a disease-causing mutation or a rare benign variant. The variant is found in LQT panel(s).

NM_000719.7(CACNA1C):c.985G>A (p.Gly329Ser)

Gene: CACNA1C (calcium voltage-gated channel subunit alpha1 C; plus strand). Cytogenetic location: 12p13.33.
Variant type: single nucleotide variant.
Coding change: c.985G>A on transcript NM_000719.7 (MANE Select); coding-DNA position 985, G replaced by A.
Protein change: p.Gly329Ser; replaces glycine 329 with serine.
Molecular consequence: missense variant.
Genome position (GRCh38, 1-based): chr12:2,493,258, G>A. VCF-style: chr12-2493258-G-A. GRCh37 (hg19) VCF-style: chr12-2602424-G-A.
Other names: p.G329S:GGC>AGC; c.985G>A, p.Gly329Ser (NM_001129827.2, NM_001129829.2, NM_001129830.3 and 18 more transcripts); c.976G>A, p.Gly326Ser (NM_001129844.2); short protein forms G329S, G326S.
Identifiers: ClinVar variation 190632 (VCV000190632.13), dbSNP rs786205744, ClinGen allele CA301228.